The following is an entry in ClinVar:

NM_012388.4(BLOC1S6):c.205C>G (p.Gln69Glu)

Gene: BLOC1S6 (biogenesis of lysosomal organelles complex 1 subunit 6; plus strand). Cytogenetic location: 15q21.1.
Variant type: single nucleotide variant.
Coding change: c.205C>G on transcript NM_012388.4 (MANE Select); coding-DNA position 205, C replaced by G.
Protein change: p.Gln69Glu; replaces glutamine 69 with glutamic acid.
Molecular consequence: missense variant. On other transcripts: non-coding transcript variant (5).
Genome position (GRCh38, 1-based): chr15:45,592,257, C>G. VCF-style: chr15-45592257-C-G. GRCh37 (hg19) VCF-style: chr15-45884455-C-G.
Other names: c.220C>G, p.Gln74Glu (NM_001311255.1, NM_001311256.1); short protein forms Q69E, Q74E.
Identifiers: ClinVar variation 644972 (VCV000644972.1), dbSNP rs775671194, ClinGen allele CA7544270.
Genomic context (GRCh38, chr15:45,592,257, plus strand): 5'-GTGGAGCAACTGGCAGAAGGATTGCTTTCTCATTATTTGCCAGATCTGCAGAGATCAAAA[C>G]AAGCCCTCCAGGAACTCACGTAAGCTAATAAAAAACCAGATATACACTCATTTCCTCTGT-3'
Protein context (NP_036520.1, residues 59-79): HYLPDLQRSK[Gln69Glu]ALQELTQNQV

ClinVar aggregate classification (germline): Uncertain significance (1 of 4 stars; one submission).

Conditions:
Hermansky-Pudlak syndrome 9 (HPS9). Identifiers: Orphanet 280663, Orphanet 79430, MedGen C3280026, MONDO:0013606, OMIM 614171.

Allele frequency attached by ClinVar (database versions not stated): gnomAD below 0.00001 and 0.00001; ExAC 0.00004; gnomAD exomes 0.00004.
gnomAD v4.1: 46 of 1,613,894 alleles (0.0029%); highest among the groups gnomAD compares: South Asian, 0.048%; no homozygotes.

Submission:

Labcorp Genetics (formerly Invitae), Labcorp
Classification: Uncertain significance for Hermansky-Pudlak syndrome 9. Last evaluated: 2018-08-24. Review status: criteria provided, single submitter. Criteria: Invitae Variant Classification Sherloc (09022015). Collection method: clinical testing. Allele origin: germline.
Comment: This sequence change replaces glutamine with glutamic acid at codon 69 of the BLOC1S6 protein (p.Gln69Glu). The glutamine residue is moderately conserved and there is a small physicochemical difference between glutamine and glutamic acid. This variant is present in population databases (rs775671194, ExAC 0.03%). This variant has not been reported in the literature in individuals with BLOC1S6-related disease. Algorithms developed to predict the effect of missense changes on protein structure and function (SIFT, PolyPhen-2, Align-GVGD) all suggest that this variant is likely to be tolerated, but these predictions have not been confirmed by published functional studies and their clinical significance is uncertain. In summary, the available evidence is currently insufficient to determine the role of this variant in disease. Therefore, it has been classified as a Variant of Uncertain Significance.